The following is an entry in ClinVar:

NM_148919.4(PSMB8):c.759A>C (p.Glu253Asp)

Gene: PSMB8 (proteasome 20S subunit beta 8; minus strand). Cytogenetic location: 6p21.32.
Variant type: single nucleotide variant.
Coding change: c.759A>C on transcript NM_148919.4 (MANE Select); coding-DNA position 759, A replaced by C.
Protein change: p.Glu253Asp; replaces glutamic acid 253 with aspartic acid.
Molecular consequence: missense variant.
Genome position (GRCh38, 1-based): chr6:32,841,031, T>G on the plus strand (A>C on the coding strand, the complement: PSMB8 is on the minus strand). VCF-style: chr6-32841031-T-G. GRCh37 (hg19) VCF-style: chr6-32808808-T-G.
Other names: c.747A>C, p.Glu249Asp (NM_004159.5); short protein forms E253D, E249D.
Identifiers: ClinVar variation 2016806 (VCV002016806.4), dbSNP rs1769869856, ClinGen allele CA363588250.

ClinVar aggregate classification (germline): Uncertain significance (1 of 4 stars; one submission).

Conditions:
Proteosome-associated autoinflammatory syndrome. Also called: Proteasome-associated autoinflammatory syndrome. Identifiers: Orphanet 324977, MedGen C1850568, MONDO:0009726.

Submission:

Labcorp Genetics (formerly Invitae), Labcorp
Classification: Uncertain significance for Proteosome-associated autoinflammatory syndrome. Last evaluated: 2022-07-15. Review status: criteria provided, single submitter. Criteria: Invitae Variant Classification Sherloc (09022015). Collection method: clinical testing. Allele origin: germline.
Comment: This sequence change replaces glutamic acid, which is acidic and polar, with aspartic acid, which is acidic and polar, at codon 253 of the PSMB8 protein (p.Glu253Asp). This variant is not present in population databases (gnomAD no frequency). This variant has not been reported in the literature in individuals affected with PSMB8-related conditions. Algorithms developed to predict the effect of missense changes on protein structure and function (SIFT, PolyPhen-2, Align-GVGD) all suggest that this variant is likely to be tolerated. In summary, the available evidence is currently insufficient to determine the role of this variant in disease. Therefore, it has been classified as a Variant of Uncertain Significance.